The following is an entry in ClinVar:

ClinVar aggregate classification (germline): Uncertain significance (1 of 4 stars; one submission).

Submission:

Labcorp Genetics (formerly Invitae), Labcorp
Classification: Uncertain significance. Last evaluated: 2025-09-23. Review status: criteria provided, single submitter. Criteria: Invitae Variant Classification Sherloc (09022015). Collection method: clinical testing. Allele origin: germline.
Comment: This sequence change affects codon 199 of the NOG mRNA. It is a 'silent' change, meaning that it does not change the encoded amino acid sequence of the NOG protein. This variant is not present in population databases (gnomAD no frequency). This variant has not been reported in the literature in individuals affected with NOG-related conditions. In summary, the available evidence is currently insufficient to determine the role of this variant in disease. Therefore, it has been classified as a Variant of Uncertain Significance.

NM_005450.6(NOG):c.597C>T (p.His199=)

Gene: NOG (noggin; plus strand). Cytogenetic location: 17q22.
Variant type: single nucleotide variant.
Coding change: c.597C>T on transcript NM_005450.6 (MANE Select); coding-DNA position 597, C replaced by T.
Protein change: p.His199=; no amino-acid change (histidine 199 retained).
Molecular consequence: synonymous variant.
Genome position (GRCh38, 1-based): chr17:56,594,820, C>T. VCF-style: chr17-56594820-C-T. GRCh37 (hg19) VCF-style: chr17-54672181-C-T.
Identifiers: ClinVar variation 4696058 (VCV004696058.1).